The following is an entry in ClinVar:

ClinVar aggregate classification (germline): Uncertain significance (1 of 4 stars; one submission).

Submission:

Labcorp Genetics (formerly Invitae), Labcorp
Classification: Uncertain significance. Last evaluated: 2024-05-04. Review status: criteria provided, single submitter. Criteria: Invitae Variant Classification Sherloc (09022015). Collection method: clinical testing. Allele origin: germline.
Comment: This sequence change replaces isoleucine, which is neutral and non-polar, with serine, which is neutral and polar, at codon 140 of the LZTR1 protein (p.Ile140Ser). This variant is not present in population databases (gnomAD no frequency). This variant has not been reported in the literature in individuals affected with LZTR1-related conditions. Advanced modeling of protein sequence and biophysical properties (such as structural, functional, and spatial information, amino acid conservation, physicochemical variation, residue mobility, and thermodynamic stability) performed at Invitae indicates that this missense variant is not expected to disrupt LZTR1 protein function with a negative predictive value of 80%. In summary, the available evidence is currently insufficient to determine the role of this variant in disease. Therefore, it has been classified as a Variant of Uncertain Significance.

NM_006767.4(LZTR1):c.419T>G (p.Ile140Ser)

Gene: LZTR1 (leucine zipper like post translational regulator 1; plus strand). Cytogenetic location: 22q11.21.
Variant type: single nucleotide variant.
Coding change: c.419T>G on transcript NM_006767.4 (MANE Select); coding-DNA position 419, T replaced by G.
Protein change: p.Ile140Ser; replaces isoleucine 140 with serine.
Molecular consequence: missense variant.
Genome position (GRCh38, 1-based): chr22:20,988,028, T>G. VCF-style: chr22-20988028-T-G. GRCh37 (hg19) VCF-style: chr22-21342317-T-G.
Other names: short protein forms I140S.
Identifiers: ClinVar variation 3670884 (VCV003670884.2).